The following is an entry in ClinVar:

NM_020774.4(MIB1):c.1786G>T (p.Gly596Ter)

Gene: MIB1 (MIB E3 ubiquitin protein ligase 1; plus strand). Cytogenetic location: 18q11.2.
Variant type: single nucleotide variant.
Coding change: c.1786G>T on transcript NM_020774.4 (MANE Select); coding-DNA position 1786, G replaced by T.
Protein change: p.Gly596Ter; replaces glycine 596 with a stop codon.
Molecular consequence: nonsense.
Genome position (GRCh38, 1-based): chr18:21,819,603, G>T. VCF-style: chr18-21819603-G-T. GRCh37 (hg19) VCF-style: chr18-19399564-G-T.
Other names: short protein forms G596*.
Identifiers: ClinVar variation 488965 (VCV000488965.4), dbSNP rs1555694075, ClinGen allele CA401759746.

ClinVar aggregate classification (germline): Uncertain significance (1 of 4 stars; one submission).

Allele frequency attached by ClinVar (database versions not stated): TOPMed below 0.00001; gnomAD 0.00001; gnomAD exomes 0.00001.
gnomAD v4.1: 18 of 1,611,584 alleles (0.0011%); highest among the groups gnomAD compares: Non-Finnish European, 0.0015%; no homozygotes.

Submission:

GeneDx
Classification: Uncertain significance. Last evaluated: 2021-05-04. Review status: criteria provided, single submitter. Criteria: GeneDx Variant Classification Process June 2021. Collection method: clinical testing. Allele origin: germline. Affected: yes.
Comment: Has not been previously published as pathogenic or benign to our knowledge; Not observed in large population cohorts (Lek et al., 2016); Nonsense variant predicted to result in protein truncation or nonsense mediated decay in a gene for which loss-of-function is not a known mechanism of disease